The following is an entry in ClinVar:

NM_138615.3(DHX30):c.2345G>A (p.Arg782Gln)

Gene: DHX30 (DExH-box helicase 30; plus strand). Cytogenetic location: 3p21.31.
Variant type: single nucleotide variant.
Coding change: c.2345G>A on transcript NM_138615.3 (MANE Select); coding-DNA position 2345, G replaced by A.
Protein change: p.Arg782Gln; replaces arginine 782 with glutamine.
Molecular consequence: missense variant.
Genome position (GRCh38, 1-based): chr3:47,848,238, G>A. VCF-style: chr3-47848238-G-A. GRCh37 (hg19) VCF-style: chr3-47889728-G-A.
Other names: c.2261G>A, p.Arg754Gln (NM_001330990.2); c.2228G>A, p.Arg743Gln (NM_014966.4); short protein forms R743Q, R754Q, R782Q.
Identifiers: ClinVar variation 1330305 (VCV001330305.5), dbSNP rs1559723511, ClinGen allele CA352590327.

ClinVar aggregate classification (germline): Pathogenic/Likely pathogenic. Review status: criteria provided, multiple submitters, no conflicts (2 of 4 stars). 2 submissions from 2 submitters: Pathogenic (1); Likely pathogenic (1). Last evaluated 2025-09-11.

Conditions:
Neurodevelopmental disorder with severe motor impairment and absent language. Also called: NEURODEVELOPMENTAL DISORDER WITH VARIABLE MOTOR AND LANGUAGE IMPAIRMENT. Identifiers: Orphanet 647788, MedGen C4540496, MONDO:0060622, OMIM 617804.

Submissions (2):

Dasa
Classification: Likely pathogenic for Neurodevelopmental disorder with severe motor impairment and absent language. Last evaluated: 2025-09-11. Review status: criteria provided, single submitter. Criteria: DASA Assertion Criteria. Collection method: clinical testing. Allele origin: germline.
Comment: NM_138615.3(DHX30):c.2345G>A (p.Arg782Gln) is a missense variant that results in the substitution of arginine with glutamine. The affected residue or protein region has prior evidence supporting clinical relevance. This variant has been reported as a de novo occurrence in an affected individual (PMID: 34180050; PMID: 34145223). Also, this variant is absent from population databases. Computational evidence supports a deleterious effect. Based on the currently available evidence, this variant is classified as likely pathogenic.

Institute of Human Genetics, University of Goettingen
Classification: Pathogenic for Neurodevelopmental disorder with severe motor impairment and absent language. Last evaluated: 2022-01-03. Review status: criteria provided, single submitter. Criteria: ACMG Guidelines, 2015. Collection method: clinical testing. Allele origin: de novo. Inheritance: Autosomal dominant inheritance. Affected: yes.
Comment: This Variant was described in Mannuci et al. 2021. This variant is classified according ACMG criteria PM2, PP3, PP5, PM5 and PM6 as pathogenic.

Literature cited by the submitters: PubMed 34180050 (cited by Dasa); PubMed 34145223 (cited by Dasa); PubMed 34020708 (cited by Institute of Human Genetics, University of Goettingen).